The following is an entry in ClinVar:

ClinVar aggregate classification (germline): Pathogenic. Review status: criteria provided, multiple submitters, no conflicts (2 of 4 stars). 5 submissions from 5 submitters: Pathogenic (5). Last evaluated 2025-09-17.

Conditions:
Hereditary retinoblastoma. Identifiers: Orphanet 357027, MedGen C0751483, MONDO:0018160.
Hereditary cancer-predisposing syndrome. Also called: Neoplastic Syndromes, Hereditary; Tumor predisposition; Hereditary Cancer Syndrome; Hereditary neoplastic syndrome. Identifiers: Orphanet 140162, MedGen C0027672, MeSH D009386, MONDO:0015356.
Retinoblastoma (RB1). Also called: RETINOBLASTOMA, SOMATIC. Identifiers: Orphanet 790, MedGen C0035335, MeSH D012175, MONDO:0008380, OMIM 180200, HP:0009919. Disease mechanism: loss of function. Inheritance: Both sporadic and heritable forms are tested..

Submissions (5):

Ramesar Group, Division of Human Genetics, Institute of Infectious Diseases and Molecular Medicine, UCT/MRC Genomic and Precision Medicine Research Unit, University of Cape Town
Classification: Pathogenic for Hereditary retinoblastoma. Last evaluated: 2025-09-17. Review status: criteria provided, single submitter. Criteria: ACMG Guidelines, 2015. Collection method: research. Allele origin: germline. Affected: yes. Observed: 1 variant allele.
Comment: PVS1: Null variant (frameshift) in a gene (RB1) where LOF is a known mechanism of disease PM2: Absent from gnomAD and ExAC PP4: Patient presents with bilateral retinoblastoma PP5: Reported as pathogenic in ClinVar and the LOVD

Labcorp Genetics (formerly Invitae), Labcorp
Classification: Pathogenic for Retinoblastoma. Last evaluated: 2024-08-31. Review status: criteria provided, single submitter. Criteria: Invitae Variant Classification Sherloc (09022015). Collection method: clinical testing. Allele origin: germline.
Comment: This sequence change creates a premature translational stop signal (p.Leu647Phefs*5) in the RB1 gene. It is expected to result in an absent or disrupted protein product. Loss-of-function variants in RB1 are known to be pathogenic (PMID: 17096365). This variant is not present in population databases (gnomAD no frequency). This premature translational stop signal has been observed in individual(s) with retinoblastoma (PMID: 29568217). ClinVar contains an entry for this variant (Variation ID: 1783005). For these reasons, this variant has been classified as Pathogenic.

Genetic Diagnostic Laboratory, University of Pennsylvania School of Medicine
Classification: Pathogenic for Retinoblastoma. Last evaluated: 2024-05-20. Review status: criteria provided, single submitter. Criteria: ACMG Guidelines, 2015. Collection method: clinical testing. Allele origin: germline. Affected: yes. Observed: 1 variant allele.
Comment: Case and Pedigree Information: BILATERAL CASES:1, UNILATERAL CASES:0, TOTAL CASES:1, PEDIGREES:1. ACMG Codes Applied:PVS1, PM2

GeneDx
Classification: Pathogenic. Last evaluated: 2023-12-26. Review status: criteria provided, single submitter. Criteria: GeneDx Variant Classification Process June 2021. Collection method: clinical testing. Allele origin: germline. Affected: yes.
Comment: Frameshift variant predicted to result in protein truncation or nonsense mediated decay in a gene for which loss of function is a known mechanism of disease; Not observed at significant frequency in large population cohorts (gnomAD); This variant is associated with the following publications: (PMID: 31772335, 29568217, 22219649, 7666401)

Ambry Genetics
Classification: Pathogenic for Hereditary cancer-predisposing syndrome. Last evaluated: 2023-12-08. Review status: criteria provided, single submitter. Criteria: Ambry Variant Classification Scheme 2023. Collection method: clinical testing. Allele origin: germline.
Comment: The c.1939_1940delCT pathogenic mutation, located in coding exon 19 of the RB1 gene, results from a deletion of two nucleotides at nucleotide positions 1939 to 1940, causing a translational frameshift with a predicted alternate stop codon (p.L647Ffs*5). This mutation was identified once in a cohort of 41 Moroccan patients with retinoblastoma. The patient with this alteration had bilateral retinoblastoma (Abidi O et al. Mol. Vis., 2011 Dec;17:3541-7). This variant is considered to be rare based on population cohorts in the Genome Aggregation Database (gnomAD). In addition to the clinical data presented in the literature, this alteration is expected to result in loss of function by premature protein truncation or nonsense-mediated mRNA decay. As such, this alteration is interpreted as a disease-causing mutation.

Literature cited by the submitters: PubMed 17096365 (cited by Labcorp Genetics (formerly Invitae), Labcorp); PubMed 29568217 (cited by Labcorp Genetics (formerly Invitae), Labcorp); PubMed 22219649 (cited by Ambry Genetics).

NM_000321.3(RB1):c.1939_1940del (p.Leu647fs)

Gene: RB1 (RB transcriptional corepressor 1; plus strand). Cytogenetic location: 13q14.2.
Variant type: Microsatellite.
Coding change: c.1939_1940del on transcript NM_000321.3 (MANE Select); coding-DNA positions 1939 to 1940, 2 bases deleted (CT; older notation c.1939_1940delCT).
Protein change: p.Leu647fs; shifts the reading frame from leucine 647.
Molecular consequence: frameshift variant.
Genome position (GRCh38, 1-based): chr13:48,456,328-48,456,329, CT deleted; deleting any 2 consecutive bases within chr13:48,456,324-48,456,329 gives the same sequence; the c. name uses the placement nearest the transcript's 3' end. VCF-style (leftmost placement, unchanged base first): chr13-48456323-CCT-C. GRCh37 (hg19) VCF-style: chr13-49030459-CCT-C.
Other names: c.1935_1936CT[2], p.Leu647Phefs (NM_000321.2, NM_001407165.1); c.1939_1940delCT (NM_000321.2); c.1939_1940del (NM_000321.2); short protein forms L647fs.
Identifiers: ClinVar variation 1783005 (VCV001783005.7), dbSNP rs2138331562, ClinGen allele CA645571605.